The following is an entry in ClinVar:

NM_001098.3(ACO2):c.1078C>G (p.Pro360Ala)

Gene: ACO2 (aconitase 2; plus strand). Cytogenetic location: 22q13.2.
Variant type: single nucleotide variant.
Coding change: c.1078C>G on transcript NM_001098.3 (MANE Select); coding-DNA position 1078, C replaced by G.
Protein change: p.Pro360Ala; replaces proline 360 with alanine.
Molecular consequence: missense variant.
Genome position (GRCh38, 1-based): chr22:41,520,216, C>G. VCF-style: chr22-41520216-C-G. GRCh37 (hg19) VCF-style: chr22-41916220-C-G.
Other names: short protein forms P360A.
Identifiers: ClinVar variation 2768024 (VCV002768024.3), dbSNP rs2146130935, ClinGen allele CA411723941.

ClinVar aggregate classification (germline): Uncertain significance (1 of 4 stars; one submission).

Submission:

Labcorp Genetics (formerly Invitae), Labcorp
Classification: Uncertain significance. Last evaluated: 2023-10-13. Review status: criteria provided, single submitter. Criteria: Invitae Variant Classification Sherloc (09022015). Collection method: clinical testing. Allele origin: germline.
Comment: This sequence change replaces proline, which is neutral and non-polar, with alanine, which is neutral and non-polar, at codon 360 of the ACO2 protein (p.Pro360Ala). This variant is not present in population databases (gnomAD no frequency). This variant has not been reported in the literature in individuals affected with ACO2-related conditions. Advanced modeling of protein sequence and biophysical properties (such as structural, functional, and spatial information, amino acid conservation, physicochemical variation, residue mobility, and thermodynamic stability) performed at Invitae indicates that this missense variant is not expected to disrupt ACO2 protein function. In summary, the available evidence is currently insufficient to determine the role of this variant in disease. Therefore, it has been classified as a Variant of Uncertain Significance.